The following is an entry in ClinVar:

NM_000535.7(PMS2):c.716T>G (p.Leu239Arg)

Gene: PMS2 (PMS1 homolog 2, mismatch repair system component; minus strand). Cytogenetic location: 7p22.1.
Variant type: single nucleotide variant.
Coding change: c.716T>G on transcript NM_000535.7 (MANE Select); coding-DNA position 716, T replaced by G.
Protein change: p.Leu239Arg; replaces leucine 239 with arginine.
Molecular consequence: missense variant. On other transcripts: 5 prime UTR variant (2), non-coding transcript variant (1).
Genome position (GRCh38, 1-based): chr7:5,997,413, A>C on the plus strand (T>G on the coding strand, the complement: PMS2 is on the minus strand). VCF-style: chr7-5997413-A-C. GRCh37 (hg19) VCF-style: chr7-6037044-A-C.
Other names: c.311T>G, p.Leu104Arg (NM_001322003.2, NM_001322004.2, NM_001322005.2 and 2 more transcripts); c.716T>G, p.Leu239Arg (NM_001322006.2, NM_001322014.2); c.398T>G, p.Leu133Arg (NM_001322007.2, NM_001322008.2); c.-218T>G (NM_001322011.2, NM_001322012.2); c.143T>G, p.Leu48Arg (NM_001322013.2); c.407T>G, p.Leu136Arg (NM_001322015.2); short protein forms L239R, L133R, L48R, L136R, L104R.
Identifiers: ClinVar variation 411058 (VCV000411058.15), dbSNP rs1060503136, ClinGen allele CA16612150.

ClinVar aggregate classification (germline): Uncertain significance. Review status: criteria provided, multiple submitters, no conflicts (2 of 4 stars). 3 submissions from 3 submitters: Uncertain significance (3). Last evaluated 2025-12-18.

Conditions:
Hereditary nonpolyposis colorectal neoplasms. Identifiers: MedGen C0009405, MeSH D003123.
Lynch syndrome 4 (LYNCH4). Also called: Colorectal cancer, hereditary nonpolyposis, type 4; Hereditary non-polyposis colorectal cancer, type 4. Identifiers: Orphanet 144, MedGen C1838333, MONDO:0013699, OMIM 614337. Disease mechanism: loss of function.
Mismatch repair cancer syndrome 4. Identifiers: MedGen C5436817, MONDO:0030843, OMIM 619101.
Hereditary cancer-predisposing syndrome. Also called: Neoplastic Syndromes, Hereditary; Tumor predisposition; Hereditary neoplastic syndrome; Hereditary Cancer Syndrome. Identifiers: Orphanet 140162, MedGen C0027672, MeSH D009386, MONDO:0015356.

Submissions (3):

Ambry Genetics
Classification: Uncertain significance for Hereditary cancer-predisposing syndrome. Last evaluated: 2025-12-18. Review status: criteria provided, single submitter. Criteria: Ambry Variant Classification Scheme 2023. Collection method: clinical testing. Allele origin: germline.
Comment: The p.L239R variant (also known as c.716T>G), located in coding exon 7 of the PMS2 gene, results from a T to G substitution at nucleotide position 716. The leucine at codon 239 is replaced by arginine, an amino acid with dissimilar properties. This variant has been identified in a proband(s) whose Lynch syndrome-associated tumor demonstrated loss of PMS2 expression by immunohistochemistry (Li S et al. J. Med. Genet. 2020 Jan;57:62-69; Schwartz A et al. Front Oncol, 2022 Aug;12:942741). This amino acid position is highly conserved in available vertebrate species. In addition, this alteration is predicted to be deleterious by in silico analysis. Based on the available evidence, the clinical significance of this variant remains unclear.

Labcorp Genetics (formerly Invitae), Labcorp
Classification: Uncertain significance for Hereditary nonpolyposis colorectal neoplasms. Last evaluated: 2025-09-23. Review status: criteria provided, single submitter. Criteria: Invitae Variant Classification Sherloc (09022015). Collection method: clinical testing. Allele origin: germline.
Comment: This sequence change replaces leucine, which is neutral and non-polar, with arginine, which is basic and polar, at codon 239 of the PMS2 protein (p.Leu239Arg). This variant is not present in population databases (gnomAD no frequency). This missense change has been observed in individual(s) with clinical features of Lynch syndrome (PMID: 31992580; internal data). ClinVar contains an entry for this variant (Variation ID: 411058). Invitae Evidence Modeling of protein sequence and biophysical properties (such as structural, functional, and spatial information, amino acid conservation, physicochemical variation, residue mobility, and thermodynamic stability) indicates that this missense variant is expected to disrupt PMS2 protein function with a positive predictive value of 80%. In summary, the available evidence is currently insufficient to determine the role of this variant in disease. Therefore, it has been classified as a Variant of Uncertain Significance.

Fulgent Genetics
Classification: Uncertain significance for Lynch syndrome 4; Mismatch repair cancer syndrome 4. Last evaluated: 2024-06-06. Review status: criteria provided, single submitter. Criteria: ACMG Guidelines, 2015. Collection method: clinical testing. Allele origin: germline.

Literature cited by the submitters: PubMed 36091175 (cited by Ambry Genetics); PubMed 31992580 (cited by Labcorp Genetics (formerly Invitae), Labcorp).